The following is an entry in ClinVar:

ClinVar aggregate classification (germline): Uncertain significance. Review status: criteria provided, multiple submitters, no conflicts (2 of 4 stars). 3 submissions from 3 submitters: Uncertain significance (2). 1 of the submissions does not count toward it. Last evaluated 2025-09-25.

Conditions:
TBX3-related disorder. Also called: TBX3-related condition.
Inborn genetic diseases. Identifiers: MedGen C0950123, MeSH D030342.
Ulnar-mammary syndrome (UMS). Also called: PALLISTER ULNAR-MAMMARY SYNDROME; Ulnar-mammary syndrome of Pallister; SCHINZEL SYNDROME. Identifiers: Orphanet 3138, MedGen C1866994, MONDO:0008411, OMIM 181450.

Allele frequency attached by ClinVar (database versions not stated): TOPMed 0.00013; 1000 Genomes Project 30x 0.00016; gnomAD 0.00017; 1000 Genomes Project 0.00020.
gnomAD v4.1: 55 of 1,601,088 alleles (0.0034%); highest among the groups gnomAD compares: African/African-American, 0.064%; no homozygotes.

Submissions (3):

Labcorp Genetics (formerly Invitae), Labcorp
Classification: Uncertain significance for Ulnar-mammary syndrome. Last evaluated: 2025-09-25. Review status: criteria provided, single submitter. Criteria: Invitae Variant Classification Sherloc (09022015). Collection method: clinical testing. Allele origin: germline.
Comment: This sequence change replaces serine, which is neutral and polar, with asparagine, which is neutral and polar, at codon 682 of the TBX3 protein (p.Ser682Asn). This variant is present in population databases (rs199572544, gnomAD 0.06%), and has an allele count higher than expected for a pathogenic variant. This variant has not been reported in the literature in individuals affected with TBX3-related conditions. ClinVar contains an entry for this variant (Variation ID: 2723373). An algorithm developed to predict the effect of missense changes on protein structure and function (PolyPhen-2) suggests that this variant is likely to be tolerated. In summary, the available evidence is currently insufficient to determine the role of this variant in disease. Therefore, it has been classified as a Variant of Uncertain Significance.

Ambry Genetics
Classification: Uncertain significance for Inborn genetic diseases. Last evaluated: 2025-06-24. Review status: criteria provided, single submitter. Criteria: Ambry Variant Classification Scheme 2023. Collection method: clinical testing. Allele origin: germline.

PreventionGenetics, part of Exact Sciences
Classification: Likely benign for TBX3-related condition. Last evaluated: 2022-07-10. Review status: no assertion criteria provided. Collection method: clinical testing. Allele origin: germline. Not counted in ClinVar's aggregate classification.
Comment: This variant is classified as likely benign based on ACMG/AMP sequence variant interpretation guidelines (Richards et al. 2015 PMID: 25741868, with internal and published modifications).

NM_005996.4(TBX3):c.2045G>A (p.Ser682Asn)

Gene: TBX3 (T-box transcription factor 3; minus strand). Cytogenetic location: 12q24.21.
Variant type: single nucleotide variant.
Coding change: c.2045G>A on transcript NM_005996.4 (MANE Select); coding-DNA position 2045, G replaced by A.
Protein change: p.Ser682Asn; replaces serine 682 with asparagine.
Molecular consequence: missense variant.
Genome position (GRCh38, 1-based): chr12:114,671,968, C>T on the plus strand (G>A on the coding strand, the complement: TBX3 is on the minus strand). VCF-style: chr12-114671968-C-T. GRCh37 (hg19) VCF-style: chr12-115109773-C-T.
Other names: c.2105G>A, p.Ser702Asn (NM_016569.4); c.2045G>A (NM_005996.3); short protein forms S682N, S702N.
Identifiers: ClinVar variation 2723373 (VCV002723373.6), dbSNP rs199572544, ClinGen allele CA6809791.